The following is an entry in ClinVar:

ClinVar aggregate classification (germline): Uncertain significance (1 of 4 stars; one submission).

Conditions:
Episodic ataxia type 2 (EA2). Also called: ATAXIA, EPISODIC, WITH NYSTAGMUS; ATAXIA, FAMILIAL PAROXYSMAL; CEREBELLAR ATAXIA, PAROXYSMAL, ACETAZOLAMIDE-RESPONSIVE; CEREBELLOPATHY, HEREDITARY PAROXYSMAL; ACETAZOLAMIDE-RESPONSIVE HEREDITARY PAROXYSMAL CEREBELLAR ATAXIA; EPISODIC ATAXIA, NYSTAGMUS-ASSOCIATED. Identifiers: Orphanet 97, MedGen C1720416, MONDO:0007163, OMIM 108500.
Developmental and epileptic encephalopathy, 42 (DEE42A). Also called: Epileptic encephalopathy, early infantile, 42; DEVELOPMENTAL AND EPILEPTIC ENCEPHALOPATHY 42A; EPILEPTIC ENCEPHALOPATHY, EARLY INFANTILE, 42A. Identifiers: MedGen C4310716, MONDO:0014917, OMIM 617106.

Submission:

Labcorp Genetics (formerly Invitae), Labcorp
Classification: Uncertain significance for Developmental and epileptic encephalopathy, 42; Episodic ataxia type 2. Last evaluated: 2022-07-25. Review status: criteria provided, single submitter. Criteria: Invitae Variant Classification Sherloc (09022015). Collection method: clinical testing. Allele origin: germline.
Comment: In summary, the available evidence is currently insufficient to determine the role of this variant in disease. Therefore, it has been classified as a Variant of Uncertain Significance. Advanced modeling of protein sequence and biophysical properties (such as structural, functional, and spatial information, amino acid conservation, physicochemical variation, residue mobility, and thermodynamic stability) performed at Invitae indicates that this missense variant is not expected to disrupt CACNA1A protein function. This variant has not been reported in the literature in individuals affected with CACNA1A-related conditions. This variant is not present in population databases (gnomAD no frequency). This sequence change replaces glycine, which is neutral and non-polar, with aspartic acid, which is acidic and polar, at codon 1009 of the CACNA1A protein (p.Gly1009Asp).

NM_001127222.2(CACNA1A):c.3023G>A (p.Gly1008Asp)

Gene: CACNA1A (calcium voltage-gated channel subunit alpha1 A; minus strand). Cytogenetic location: 19p13.13.
Variant type: single nucleotide variant.
Coding change: c.3023G>A on transcript NM_001127222.2 (MANE Select); coding-DNA position 3023, G replaced by A.
Protein change: p.Gly1008Asp; replaces glycine 1008 with aspartic acid.
Molecular consequence: missense variant.
Genome position (GRCh38, 1-based): chr19:13,298,610, C>T on the plus strand (G>A on the coding strand, the complement: CACNA1A is on the minus strand). VCF-style: chr19-13298610-C-T. GRCh37 (hg19) VCF-style: chr19-13409424-C-T.
Other names: c.3035G>A, p.Gly1012Asp (NM_000068.4, NM_023035.3); c.3026G>A, p.Gly1009Asp (NM_001127221.2, NM_001174080.2); short protein forms G1009D, G1008D, G1012D.
Identifiers: ClinVar variation 2017382 (VCV002017382.4), dbSNP rs2512904860, ClinGen allele CA404342227.